The following is an entry in ClinVar:

ClinVar aggregate classification (germline): Uncertain significance (1 of 4 stars; one submission).

Conditions:
Charcot-Marie-Tooth disease X-linked dominant 6. Also called: CHARCOT-MARIE-TOOTH NEUROPATHY, X-LINKED DOMINANT, 6. Identifiers: Orphanet 352675, MedGen C3806702, MONDO:0010479, OMIM 300905.

Submission:

Labcorp Genetics (formerly Invitae), Labcorp
Classification: Uncertain significance for Charcot-Marie-Tooth disease X-linked dominant 6. Last evaluated: 2019-09-30. Review status: criteria provided, single submitter. Criteria: Invitae Variant Classification Sherloc (09022015). Collection method: clinical testing. Allele origin: germline.
Comment: This sequence change replaces phenylalanine with cysteine at codon 366 of the PDK3 protein (p.Phe366Cys). The phenylalanine residue is moderately conserved and there is a large physicochemical difference between phenylalanine and cysteine. In summary, the available evidence is currently insufficient to determine the role of this variant in disease. Therefore, it has been classified as a Variant of Uncertain Significance. Algorithms developed to predict the effect of sequence changes on RNA splicing suggest that this variant may create or strengthen a splice site, but this prediction has not been confirmed by published transcriptional studies. Algorithms developed to predict the effect of missense changes on protein structure and function (SIFT, PolyPhen-2, Align-GVGD) all suggest that this variant is likely to be tolerated, but these predictions have not been confirmed by published functional studies and their clinical significance is uncertain. This variant has not been reported in the literature in individuals with PDK3-related conditions. This variant is not present in population databases (ExAC no frequency).

NM_005391.5(PDK3):c.1097T>G (p.Phe366Cys)

Gene: PDK3 (pyruvate dehydrogenase kinase 3; plus strand). Cytogenetic location: Xp22.11.
Variant type: single nucleotide variant.
Coding change: c.1097T>G on transcript NM_005391.5 (MANE Select); coding-DNA position 1097, T replaced by G.
Protein change: p.Phe366Cys; replaces phenylalanine 366 with cysteine.
Molecular consequence: missense variant.
Genome position (GRCh38, 1-based): chrX:24,533,948, T>G. VCF-style: chrX-24533948-T-G. GRCh37 (hg19) VCF-style: chrX-24552065-T-G.
Other names: c.1097T>G, p.Phe366Cys (NM_001142386.3); short protein forms F366C.
Identifiers: ClinVar variation 960314 (VCV000960314.9), dbSNP rs1922715042, ClinGen allele CA412603644.